The following is an entry in ClinVar:

NM_025233.7(COASY):c.915T>C (p.Asn305=)

Gene: COASY (Coenzyme A synthase; plus strand). Cytogenetic location: 17q21.2.
Variant type: single nucleotide variant.
Coding change: c.915T>C on transcript NM_025233.7 (MANE Select); coding-DNA position 915, T replaced by C.
Protein change: p.Asn305=; no amino-acid change (asparagine 305 retained).
Molecular consequence: synonymous variant.
Genome position (GRCh38, 1-based): chr17:42,564,175, T>C. VCF-style: chr17-42564175-T-C. GRCh37 (hg19) VCF-style: chr17-40716193-T-C.
Other names: c.915T>C, p.Asn305= (NM_001042529.3); c.1002T>C, p.Asn334= (NM_001042532.4).
Identifiers: ClinVar variation 2148653 (VCV002148653.4), dbSNP rs760947875, ClinGen allele CA8578097.

ClinVar aggregate classification (germline): Uncertain significance (1 of 4 stars; one submission).

Conditions:
Neurodegeneration with brain iron accumulation 6 (NBIA6). Also called: COASY protein-associated neurodegeneration. Identifiers: Orphanet 397725, MedGen C4517377, MONDO:0014290, OMIM 615643.

Allele frequency attached by ClinVar (database versions not stated): gnomAD exomes below 0.00001; ExAC 0.00001.
gnomAD v4.1: 4 of 1,613,606 alleles (0.00025%); highest among the groups gnomAD compares: African/African-American, 0.0027%; no homozygotes.

Submission:

Labcorp Genetics (formerly Invitae), Labcorp
Classification: Uncertain significance for Neurodegeneration with brain iron accumulation 6. Last evaluated: 2022-08-19. Review status: criteria provided, single submitter. Criteria: Invitae Variant Classification Sherloc (09022015). Collection method: clinical testing. Allele origin: germline.
Comment: This variant is present in population databases (rs760947875, gnomAD 0.002%). This sequence change affects codon 305 of the COASY mRNA. It is a 'silent' change, meaning that it does not change the encoded amino acid sequence of the COASY protein. It affects a nucleotide within the consensus splice site. Algorithms developed to predict the effect of sequence changes on RNA splicing suggest that this variant is not likely to affect RNA splicing. In summary, the available evidence is currently insufficient to determine the role of this variant in disease. Therefore, it has been classified as a Variant of Uncertain Significance. This variant has not been reported in the literature in individuals affected with COASY-related conditions.